The following is an entry in ClinVar:

ClinVar aggregate classification (germline): Conflicting classifications of pathogenicity. Review status: criteria provided, conflicting classifications (1 of 4 stars). 3 submissions from 3 submitters: Likely pathogenic (1); Benign (1); Likely benign (1). Last evaluated 2025-08-23.

Allele frequency attached by ClinVar (database versions not stated): gnomAD 0.00001 and 0.00002; gnomAD exomes 0.00006 and 0.00009; TOPMed 0.00006; ExAC 0.00007; 1000 Genomes Project 30x 0.00016; 1000 Genomes Project 0.00020.
gnomAD v4.1: 129 of 1,613,038 alleles (0.008%); highest among the groups gnomAD compares: East Asian, 0.28%; no homozygotes.

Submissions (3):

Labcorp Genetics (formerly Invitae), Labcorp
Classification: Likely benign. Last evaluated: 2025-08-23. Review status: criteria provided, single submitter. Criteria: Invitae Variant Classification Sherloc (09022015). Collection method: clinical testing. Allele origin: germline.

Women's Health and Genetics/Laboratory Corporation of America, LabCorp
Classification: Benign. Last evaluated: 2024-11-06. Review status: criteria provided, single submitter. Criteria: LabCorp Variant Classification Summary - May 2015. Collection method: clinical testing. Allele origin: germline.
Comment: Variant summary: CASQ1 c.1039G>T (p.Gly347X) results in a premature termination codon, predicted to cause a truncation of the encoded protein or absence of the protein due to nonsense mediated decay, however current evidence is not sufficient to establish loss of function as a mechanism for disease. The variant allele was found at a frequency of 8e-05 in 1613038 control chromosomes, predominantly at a frequency of 0.0028 within the East Asian subpopulation in the gnomAD database. To our knowledge, no occurrence of c.1039G>T in individuals affected with Myopathy due To Calsequestrin And SERCA1 Protein Overload and no experimental evidence demonstrating its impact on protein function have been reported. ClinVar contains an entry for this variant (Variation ID: 744558). Based on the evidence outlined above, the variant was classified as benign.

CeGaT Center for Human Genetics Tuebingen
Classification: Likely pathogenic. Last evaluated: 2016-09-01. Review status: criteria provided, single submitter. Criteria: CeGaT Center For Human Genetics Tuebingen Variant Classification Criteria Version 2. Collection method: clinical testing. Allele origin: germline. Affected: yes. Observed: 1 variant allele.

NM_001231.5(CASQ1):c.1039G>T (p.Gly347Ter)

Gene: CASQ1 (calsequestrin 1; plus strand). Cytogenetic location: 1q23.2.
Variant type: single nucleotide variant.
Coding change: c.1039G>T on transcript NM_001231.5 (MANE Select); coding-DNA position 1039, G replaced by T.
Protein change: p.Gly347Ter; replaces glycine 347 with a stop codon.
Molecular consequence: nonsense.
Genome position (GRCh38, 1-based): chr1:160,199,905, G>T. VCF-style: chr1-160199905-G-T. GRCh37 (hg19) VCF-style: chr1-160169695-G-T.
Other names: short protein forms G347*.
Identifiers: ClinVar variation 744558 (VCV000744558.51), dbSNP rs150143470, ClinGen allele CA1196437.